The following is an entry in ClinVar:

ClinVar aggregate classification (germline): Pathogenic. Review status: criteria provided, multiple submitters, no conflicts (2 of 4 stars). 13 submissions from 13 submitters: Pathogenic (11). 2 of the submissions do not count toward it. Last evaluated 2026-01-27.

Conditions:
Thyroid dyshormonogenesis 6 (TDH6). Also called: THYROID HORMONOGENESIS, GENETIC DEFECT IN, 6; HYPOTHYROIDISM, CONGENITAL, DUE TO DYSHORMONOGENESIS, 6; Genetic transient congenital hypothyroidism. Identifiers: Orphanet 226316, Orphanet 95716, MedGen C1846632, MONDO:0011792, OMIM 607200.
Familial thyroid dyshormonogenesis. Identifiers: Orphanet 95716, MedGen C4273748, MONDO:0010132.
DUOX2-related disorders.
DUOX2-related disorder. Also called: DUOX2-related condition.

Allele frequency attached by ClinVar (database versions not stated): gnomAD 0.00017 and 0.00019; 1000 Genomes Project 0.00060; TOPMed 0.00073; 1000 Genomes Project 30x 0.00094.
gnomAD v4.1: 219 of 1,614,080 alleles (0.014%); highest among the groups gnomAD compares: East Asian, 0.44%; 3 homozygotes.

Submissions (14):

Labcorp Genetics (formerly Invitae), Labcorp
Classification: Pathogenic. Last evaluated: 2026-01-27. Review status: criteria provided, single submitter. Criteria: Invitae Variant Classification Sherloc (09022015). Collection method: clinical testing. Allele origin: germline.
Comment: This sequence change creates a premature translational stop signal (p.Lys530*) in the DUOX2 gene. It is expected to result in an absent or disrupted protein product. Loss-of-function variants in DUOX2 are known to be pathogenic (PMID: 12110737, 18765513, 21565790, 24423310, 24735383). This variant is present in population databases (rs180671269, gnomAD 0.9%), and has an allele count higher than expected for a pathogenic variant. This premature translational stop signal has been observed in individual(s) with congenital hypothyroidism (PMID: 18765513, 26349762, 27108200). It has also been observed to segregate with disease in related individuals. ClinVar contains an entry for this variant (Variation ID: 287079). For these reasons, this variant has been classified as Pathogenic.

Genesolutions, Medical Genetics Institutes, Ho Chi Minh City, Vietnam
Classification: Pathogenic for Thyroid dyshormonogenesis 6. Last evaluated: 2025-09-24. Review status: criteria provided, single submitter. Criteria: ACMG Guidelines, 2015. Collection method: clinical testing. Allele origin: germline. Affected: yes.

Blueprint Genetics
Classification: Pathogenic for DUOX2-related disorders. Last evaluated: 2024-10-17. Review status: criteria provided, single submitter. Criteria: ACMG Guidelines, 2015. Collection method: clinical testing. Allele origin: germline. Affected: yes. Observed: 5 variant alleles.

Revvity Omics, Revvity
Classification: Pathogenic for Thyroid dyshormonogenesis 6. Last evaluated: 2024-07-19. Review status: criteria provided, single submitter. Criteria: ACMG Guidelines, 2015. Collection method: clinical testing. Allele origin: germline.

Fulgent Genetics
Classification: Pathogenic for Thyroid dyshormonogenesis 6. Last evaluated: 2024-06-06. Review status: criteria provided, single submitter. Criteria: ACMG Guidelines, 2015. Collection method: clinical testing. Allele origin: germline.

GeneDx
Classification: Pathogenic. Last evaluated: 2024-02-28. Review status: criteria provided, single submitter. Criteria: GeneDx Variant Classification Process June 2021. Collection method: clinical testing. Allele origin: germline.
Comment: Nonsense variant predicted to result in protein truncation or nonsense mediated decay in a gene for which loss of function is a known mechanism of disease; This variant is associated with the following publications: (PMID: 27557340, 29650690, 34200080, 25525159, 27498126, 29092890, 28222800, 30022773, 31980526, 33628596, 34276565, 32319661, 35611242, 33651715, 33490161, 27108200, 18765513, 30154845, 26349762, 34539567)

Department of Pathology and Laboratory Medicine, Sinai Health System
Classification: Pathogenic for Familial thyroid dyshormonogenesis; Thyroid dyshormonogenesis 6. Last evaluated: 2023-09-28. Review status: criteria provided, single submitter. Criteria: ACMG Guidelines, 2015. Collection method: research. Allele origin: germline.

3billion
Classification: Pathogenic for Thyroid dyshormonogenesis 6. Last evaluated: 2023-08-01. Review status: criteria provided, single submitter. Criteria: ACMG Guidelines, 2015. Collection method: clinical testing. Allele origin: germline. Affected: yes.
Comment: It is observed in the gnomAD v2.1.1 dataset at total allele frequency of 0.064%. Predicted Consequence/Location: Stop-gained (nonsense): predicted to result in a loss or disruption of normal protein function through nonsense-mediated decay (NMD) or protein truncation. Multiple pathogenic variants are reported downstream of the variant. The variant has been reported at least twice as pathogenic with clinical assertions and evidence for the classification (ClinVar ID: VCV000287079 /PMID: 18765513). Therefore, this variant is classified as Pathogenic according to the recommendation of ACMG/AMP guideline.

Illumina Laboratory Services, Illumina
Classification: Pathogenic for Thyroid dyshormonogenesis 6. Last evaluated: 2018-11-21. Review status: criteria provided, single submitter. Criteria: ICSL Variant Classification Criteria 09 May 2019. Collection method: clinical testing. Allele origin: germline.
Comment: The DUOX2 c.1588A>T (p.Lys530Ter) variant is a stop-gained variant that is predicted to result in premature truncation of the protein. Across a selection of available literature, the p.Lys530Ter variant has been found in at least 18 individuals with congenital hypothyroidism including one in a homozygous state, eight in a compound heterozygous state including a sibling pair and nine in a heterozygous state (Maruo et al. 2008; Fu et al. 2015; Fu et al. 2016; Chen et al. 2018). The sibling pair compound heterozygous for the variant inherited the p.Lys530Ter variant from their unaffected mother (Maruo et al. 2008). The p.Lys530Ter variant was absent from 200 control individuals and is reported at a frequency of 0.009274 in the East Asian population of the Genome Aggregation Database, which includes two homozygotes. Based on the collective evidence and the potential impact of stop-gained variants, the p.Lys530Ter variant is classified as pathogenic for congenital hypothyroidism. This variant was observed by ICSL as part of a predisposition screen in an ostensibly healthy population.

Eurofins Ntd Llc (ga)
Classification: Pathogenic. Last evaluated: 2016-04-15. Review status: criteria provided, single submitter. Criteria: EGL Classification Definitions 2015. Collection method: clinical testing. Allele origin: germline. Observed: 1 variant allele, 1 heterozygote.

Juno Genomics, Hangzhou Juno Genomics, Inc
Classification: Pathogenic for Thyroid dyshormonogenesis 6. Review status: criteria provided, single submitter. Criteria: ACMG Guidelines, 2015. Collection method: clinical testing. Allele origin: germline.
Comment: Null variant in a gene where loss of function (LOF) is a known mechanism of disease.;For recessive disorders, detected in trans with a pathogenic variant.;Patient's phenotype or family history is highly specific for a disease with a single genetic etiology.

PreventionGenetics, part of Exact Sciences
Classification: Pathogenic for DUOX2-related condition. Last evaluated: 2024-09-12. Review status: no assertion criteria provided. Collection method: clinical testing. Allele origin: germline. Not counted in ClinVar's aggregate classification.
Comment: The DUOX2 c.1588A>T variant is predicted to result in premature protein termination (p.Lys530*). This variant has been reported to be causative for congenital hypothyroidism in the compound heterozygous state (Maruo et al. 2008. PubMed ID: 18765513; Chen et al. 2018 PubMed ID: 30154845; Chow et al. 2017. PubMed ID: 28222800; Long et al. 2018. PubMed ID: 30022773). This variant is reported in 0.90% of alleles in individuals of East Asian descent in gnomAD. Nonsense variants in DUOX2 are expected to be pathogenic. This variant is interpreted as pathogenic.

Reproductive Health Research and Development, BGI Genomics
Classification: Pathogenic for Thyroid dyshormonogenesis 6. Last evaluated: 2020-01-06. Review status: no assertion criteria provided. Collection method: curation. Allele origin: germline. Not counted in ClinVar's aggregate classification.
Comment: NM_014080.4:c.1588A>T in the DUOX2 gene has an allele frequency of 0.009 in East Asian subpopulation in the gnomAD database. This variant is located in the 14th exon (34 exons in the NM_014080.4 transcript), therefore, it predicted to cause loss of normal protein function either through protein truncation or nonsense-mediated mRNA decay. The c.1588A>T variant has been reported multiple times in patients either in homozygosity or compound heterozygosity, for example, c.[1588A>T];[2635G>A] (PMID: 18765513), c.[1588A>T];[1588A>T] (PMID: 27108200), c.[1588A>T];[3340delC] (PMID: 26349762). Taken together, we interprete this variant as Pathogenic/Likely pathogenic. ACMG/AMP criteria applied: PVS1; PS4.

Dr. Peter K. Rogan Lab, Western University
No classification provided (evidence only). Condition: Gastric cancer. Review status: no classification provided. Collection method: in vitro. Allele origin: not applicable. Functional consequence: retained intron. Not counted in ClinVar's aggregate classification.

Literature cited by the submitters: PubMed 12110737 (cited by Labcorp Genetics (formerly Invitae), Labcorp); PubMed 18765513 (cited by 3 submitters); PubMed 21565790 (cited by Labcorp Genetics (formerly Invitae), Labcorp); PubMed 24423310 (cited by Labcorp Genetics (formerly Invitae), Labcorp); PubMed 24735383 (cited by Labcorp Genetics (formerly Invitae), Labcorp); PubMed 26349762 (cited by Labcorp Genetics (formerly Invitae), Labcorp and Illumina Laboratory Services, Illumina); PubMed 27108200 (cited by Labcorp Genetics (formerly Invitae), Labcorp and Illumina Laboratory Services, Illumina); PubMed 30154845 (cited by Illumina Laboratory Services, Illumina).

NM_001363711.2(DUOX2):c.1588A>T (p.Lys530Ter)

Gene: DUOX2 (dual oxidase 2; minus strand). Cytogenetic location: 15q21.1.
Variant type: single nucleotide variant.
Coding change: c.1588A>T on transcript NM_001363711.2 (MANE Select); coding-DNA position 1588, A replaced by T.
Protein change: p.Lys530Ter; replaces lysine 530 with a stop codon.
Molecular consequence: nonsense.
Genome position (GRCh38, 1-based): chr15:45,107,450, T>A on the plus strand (A>T on the coding strand, the complement: DUOX2 is on the minus strand). VCF-style: chr15-45107450-T-A. GRCh37 (hg19) VCF-style: chr15-45399648-T-A.
Other names: c.1588A>T, p.Lys530Ter (NM_014080.5); short protein forms K530*.
Identifiers: ClinVar variation 287079 (VCV000287079.36), dbSNP rs180671269, ClinGen allele CA7538552.
Genomic context (GRCh38, chr15:45,107,450, plus strand): 5'-TGTTGATAACAGCGACCAGCACGTCCCGCAGGGTGGTATTTCGGATGTCTTCAATCTCCT[T>A]CTTGGAGAACAGCCTAAGTTGGAGGAAGTAGAAGTCACTGGGATGGGAAGGGGATGCAGG-3'